The following is an entry in ClinVar:

ClinVar aggregate classification (germline): Uncertain significance. Review status: criteria provided, multiple submitters, no conflicts (2 of 4 stars). 2 submissions from 2 submitters: Uncertain significance (2). Last evaluated 2025-12-04.

Conditions:
NEK1-related disorder. Also called: NEK1-related condition.
Short-rib thoracic dysplasia 6 with or without polydactyly (SRTD6). Also called: POLYDACTYLY WITH NEONATAL CHONDRODYSTROPHY, TYPE II; Majewski Syndrome; SHORT RIB-POLYDACTYLY SYNDROME, TYPE IIA; SHORT-RIB THORACIC DYSPLASIA 6 WITH POLYDACTYLY; SHORT-RIB THORACIC DYSPLASIA 6 WITHOUT POLYDACTYLY. Identifiers: MedGen C0024507, MONDO:0009894, OMIM 263520.

Allele frequency attached by ClinVar (database versions not stated): gnomAD exomes 0.00001; TOPMed 0.00002; gnomAD 0.00003; ExAC 0.00004; ESP Exome Variant Server 0.00008.
gnomAD v4.1: 17 of 1,607,428 alleles (0.0011%); highest among the groups gnomAD compares: South Asian, 0.0056%; no homozygotes.

Submissions (2):

PreventionGenetics, part of Exact Sciences
Classification: Uncertain significance for NEK1-related condition. Last evaluated: 2025-12-04. Review status: criteria provided, single submitter. Criteria: ACMG Guidelines, 2015. Collection method: clinical testing. Allele origin: germline.
Comment: The NEK1 c.2269C>T variant is predicted to result in the amino acid substitution p.Arg757Cys. To our knowledge, this variant has not been reported in the literature. This variant is reported in 0.0034% of alleles in individuals of South Asian descent in gnomAD. At this time, the clinical significance of this variant is uncertain due to the absence of conclusive functional and genetic evidence.

Labcorp Genetics (formerly Invitae), Labcorp
Classification: Uncertain significance for Short-rib thoracic dysplasia 6 with or without polydactyly. Last evaluated: 2025-01-02. Review status: criteria provided, single submitter. Criteria: Invitae Variant Classification Sherloc (09022015). Collection method: clinical testing. Allele origin: germline.
Comment: This sequence change replaces arginine, which is basic and polar, with cysteine, which is neutral and slightly polar, at codon 757 of the NEK1 protein (p.Arg757Cys). This variant is present in population databases (rs374639577, gnomAD 0.003%). This variant has not been reported in the literature in individuals affected with NEK1-related conditions. ClinVar contains an entry for this variant (Variation ID: 1440013). Invitae Evidence Modeling of protein sequence and biophysical properties (such as structural, functional, and spatial information, amino acid conservation, physicochemical variation, residue mobility, and thermodynamic stability) indicates that this missense variant is expected to disrupt NEK1 protein function with a positive predictive value of 80%. In summary, the available evidence is currently insufficient to determine the role of this variant in disease. Therefore, it has been classified as a Variant of Uncertain Significance.

NM_001199397.3(NEK1):c.2353C>T (p.Arg785Cys)

Gene: NEK1 (NIMA related kinase 1; minus strand). Cytogenetic location: 4q33.
Variant type: single nucleotide variant.
Coding change: c.2353C>T on transcript NM_001199397.3 (MANE Select); coding-DNA position 2353, C replaced by T.
Protein change: p.Arg785Cys; replaces arginine 785 with cysteine.
Molecular consequence: missense variant. On other transcripts: non-coding transcript variant (1).
Genome position (GRCh38, 1-based): chr4:169,477,205, G>A on the plus strand (C>T on the coding strand, the complement: NEK1 is on the minus strand). VCF-style: chr4-169477205-G-A. GRCh37 (hg19) VCF-style: chr4-170398356-G-A.
Other names: c.2269C>T (NM_012224.2); c.2221C>T, p.Arg741Cys (NM_001199398.3); c.2062C>T, p.Arg688Cys (NM_001199399.3); c.2137C>T, p.Arg713Cys (NM_001199400.3); c.2353C>T, p.Arg785Cys (NM_001374418.1); c.2269C>T, p.Arg757Cys (NM_001374419.1, NM_012224.4); c.2218C>T, p.Arg740Cys (NM_001374420.1); c.2047C>T, p.Arg683Cys (NM_001374421.1); short protein forms R688C, R785C, R740C, R713C, R757C, R683C, R741C.
Identifiers: ClinVar variation 1440013 (VCV001440013.9), dbSNP rs374639577, ClinGen allele CA3137438.